The following is an entry in ClinVar:

NM_020461.4(TUBGCP6):c.2114A>G (p.Gln705Arg)

Gene: TUBGCP6 (tubulin gamma complex component 6; minus strand). Cytogenetic location: 22q13.33.
Variant type: single nucleotide variant.
Coding change: c.2114A>G on transcript NM_020461.4 (MANE Select); coding-DNA position 2114, A replaced by G.
Protein change: p.Gln705Arg; replaces glutamine 705 with arginine.
Molecular consequence: missense variant.
Genome position (GRCh38, 1-based): chr22:50,224,372, T>C on the plus strand (A>G on the coding strand, the complement: TUBGCP6 is on the minus strand). VCF-style: chr22-50224372-T-C. GRCh37 (hg19) VCF-style: chr22-50662801-T-C.
Other names: c.2114A>G (NM_020461.3); short protein forms Q705R.
Identifiers: ClinVar variation 2186606 (VCV002186606.3), dbSNP rs780375774, ClinGen allele CA10308346.

ClinVar aggregate classification (germline): Uncertain significance. Review status: criteria provided, multiple submitters, no conflicts (2 of 4 stars). 2 submissions from 2 submitters: Uncertain significance (2). Last evaluated 2024-10-08.

Conditions:
Inborn genetic diseases. Identifiers: MedGen C0950123, MeSH D030342.

Allele frequency attached by ClinVar (database versions not stated): ExAC 0.00001; gnomAD 0.00002; TOPMed 0.00002; gnomAD exomes 0.00004.
gnomAD v4.1: 57 of 1,614,112 alleles (0.0035%); highest among the groups gnomAD compares: Non-Finnish European, 0.0047%; no homozygotes.

Submissions (2):

Labcorp Genetics (formerly Invitae), Labcorp
Classification: Uncertain significance. Last evaluated: 2024-10-08. Review status: criteria provided, single submitter. Criteria: Invitae Variant Classification Sherloc (09022015). Collection method: clinical testing. Allele origin: germline.
Comment: This sequence change replaces glutamine, which is neutral and polar, with arginine, which is basic and polar, at codon 705 of the TUBGCP6 protein (p.Gln705Arg). This variant is present in population databases (rs780375774, gnomAD 0.002%). This variant has not been reported in the literature in individuals affected with TUBGCP6-related conditions. ClinVar contains an entry for this variant (Variation ID: 2186606). An algorithm developed to predict the effect of missense changes on protein structure and function (PolyPhen-2) suggests that this variant¬†is likely to be tolerated. In summary, the available evidence is currently insufficient to determine the role of this variant in disease. Therefore, it has been classified as a Variant of Uncertain Significance.

Ambry Genetics
Classification: Uncertain significance for Inborn genetic diseases. Last evaluated: 2023-12-19. Review status: criteria provided, single submitter. Criteria: Ambry Variant Classification Scheme 2023. Collection method: clinical testing. Allele origin: germline.